The following is an entry in ClinVar:

NM_152617.4(RNF168):c.692C>T (p.Pro231Leu)

Gene: RNF168 (ring finger protein 168; minus strand). Cytogenetic location: 3q29.
Variant type: single nucleotide variant.
Coding change: c.692C>T on transcript NM_152617.4 (MANE Select); coding-DNA position 692, C replaced by T.
Protein change: p.Pro231Leu; replaces proline 231 with leucine.
Molecular consequence: missense variant.
Genome position (GRCh38, 1-based): chr3:196,475,301, G>A on the plus strand (C>T on the coding strand, the complement: RNF168 is on the minus strand). VCF-style: chr3-196475301-G-A. GRCh37 (hg19) VCF-style: chr3-196202172-G-A.
Other names: short protein forms P231L.
Identifiers: ClinVar variation 1376433 (VCV001376433.8), dbSNP rs750265062, ClinGen allele CA2780834.

ClinVar aggregate classification (germline): Uncertain significance (1 of 4 stars; one submission).

Allele frequency attached by ClinVar (database versions not stated): gnomAD exomes below 0.00001; ExAC 0.00001; TOPMed 0.00001.
gnomAD v4.1: 2 of 1,605,520 alleles (0.00012%); highest among the groups gnomAD compares: East Asian, 0.0022%; no homozygotes.

Submission:

Labcorp Genetics (formerly Invitae), Labcorp
Classification: Uncertain significance. Last evaluated: 2022-10-25. Review status: criteria provided, single submitter. Criteria: Invitae Variant Classification Sherloc (09022015). Collection method: clinical testing. Allele origin: germline.
Comment: In summary, the available evidence is currently insufficient to determine the role of this variant in disease. Therefore, it has been classified as a Variant of Uncertain Significance. Algorithms developed to predict the effect of missense changes on protein structure and function are either unavailable or do not agree on the potential impact of this missense change (SIFT: "Deleterious"; PolyPhen-2: "Probably Damaging"; Align-GVGD: "Class C0"). ClinVar contains an entry for this variant (Variation ID: 1376433). This variant has not been reported in the literature in individuals affected with RNF168-related conditions. This variant is present in population databases (rs750265062, gnomAD 0.003%). This sequence change replaces proline, which is neutral and non-polar, with leucine, which is neutral and non-polar, at codon 231 of the RNF168 protein (p.Pro231Leu).